The following is an entry in ClinVar:

NM_000179.3(MSH6):c.2842G>T (p.Glu948Ter)

Gene: MSH6 (mutS homolog 6; plus strand). Cytogenetic location: 2p16.3.
Variant type: single nucleotide variant.
Coding change: c.2842G>T on transcript NM_000179.3 (MANE Select); coding-DNA position 2842, G replaced by T.
Protein change: p.Glu948Ter; replaces glutamic acid 948 with a stop codon.
Molecular consequence: nonsense.
Genome position (GRCh38, 1-based): chr2:47,800,825, G>T. VCF-style: chr2-47800825-G-T. GRCh37 (hg19) VCF-style: chr2-48027964-G-T.
Other names: c.2452G>T, p.Glu818Ter (NM_001281492.2); c.1936G>T, p.Glu646Ter (NM_001281493.2, NM_001281494.2); short protein forms E646*, E818*, E948*.
Identifiers: ClinVar variation 694599 (VCV000694599.4), dbSNP rs1572728898, ClinGen allele CA346755807.

ClinVar aggregate classification (germline): Pathogenic. Review status: criteria provided, single submitter (1 of 4 stars). 2 submissions from 2 submitters: Pathogenic (1). 1 of the submissions does not count toward it. Last evaluated 2021-12-20.

Conditions:
Lynch syndrome 5 (LYNCH5). Also called: Colorectal cancer, hereditary nonpolyposis, type 5; Hereditary non-polyposis colorectal cancer, type 5. Identifiers: Orphanet 144, MedGen C1833477, MONDO:0013710, OMIM 614350. Disease mechanism: loss of function.
Hereditary cancer-predisposing syndrome. Also called: Neoplastic Syndromes, Hereditary; Hereditary Cancer Syndrome; Tumor predisposition; Hereditary neoplastic syndrome. Identifiers: Orphanet 140162, MedGen C0027672, MeSH D009386, MONDO:0015356.

Submissions (2):

Ambry Genetics
Classification: Pathogenic for Hereditary cancer-predisposing syndrome. Last evaluated: 2021-12-20. Review status: criteria provided, single submitter. Criteria: Ambry Variant Classification Scheme 2023. Collection method: clinical testing. Allele origin: germline.
Comment: The p.E948* pathogenic mutation (also known as c.2842G>T), located in coding exon 4 of the MSH6 gene, results from a G to T substitution at nucleotide position 2842. This changes the amino acid from a glutamic acid to a stop codon within coding exon 4. This alteration is expected to result in loss of function by premature protein truncation or nonsense-mediated mRNA decay. As such, this alteration is interpreted as a disease-causing mutation.

MVZ Praenatalmedizin und Genetik Nuernberg
Classification: Pathogenic for Lynch syndrome 5. Last evaluated: 2019-02-28. Review status: no assertion criteria provided. Collection method: clinical testing. Allele origin: germline. Inheritance: Autosomal dominant inheritance. Affected: yes. Observed: 1 heterozygote. Not counted in ClinVar's aggregate classification.
Comment: GnomAD shows no entry for this variant (very rare or private variant). This variant in exon 4 of MSH6 results in a premature stop-codon. Thus, we expect a loss of function. Accordingly, ClinVar lists several nonsense mutations further downstream (e.g. p.Tyr977Ter) with pathogenic classification (expert panel). We therefore classify this variant as pathogenic.